The following is an entry in ClinVar:

NM_000053.4(ATP7B):c.4268G>A (p.Ser1423Asn)

Gene: ATP7B (ATPase copper transporting beta; minus strand). Cytogenetic location: 13q14.3.
Variant type: single nucleotide variant.
Coding change: c.4268G>A on transcript NM_000053.4 (MANE Select); coding-DNA position 4268, G replaced by A.
Protein change: p.Ser1423Asn; replaces serine 1423 with asparagine.
Molecular consequence: missense variant.
Genome position (GRCh38, 1-based): chr13:51,934,886, C>T on the plus strand (G>A on the coding strand, the complement: ATP7B is on the minus strand). VCF-style: chr13-51934886-C-T. GRCh37 (hg19) VCF-style: chr13-52509022-C-T.
Other names: c.3647G>A, p.Ser1216Asn (NM_001005918.3); c.3935G>A, p.Ser1312Asn (NM_001243182.2); c.4034G>A, p.Ser1345Asn (NM_001330578.2); c.4016G>A, p.Ser1339Asn (NM_001330579.2); short protein forms S1216N, S1345N, S1423N, S1312N, S1339N.
Identifiers: ClinVar variation 1432001 (VCV001432001.3), dbSNP rs755388647, ClinGen allele CA388019300.

ClinVar aggregate classification (germline): Uncertain significance (1 of 4 stars; one submission).

Conditions:
Wilson disease (WND). Also called: Wilson's disease. Identifiers: Orphanet 905, MedGen C0019202, MONDO:0010200, OMIM 277900. Disease mechanism: loss of function.

Submission:

Labcorp Genetics (formerly Invitae), Labcorp
Classification: Uncertain significance for Wilson disease. Last evaluated: 2021-11-11. Review status: criteria provided, single submitter. Criteria: Invitae Variant Classification Sherloc (09022015). Collection method: clinical testing. Allele origin: germline.
Comment: This sequence change replaces serine, which is neutral and polar, with asparagine, which is neutral and polar, at codon 1423 of the ATP7B protein (p.Ser1423Asn). This variant is not present in population databases (gnomAD no frequency). This missense change has been observed in individual(s) with Wilson disease (PMID: 29761093). Advanced modeling of protein sequence and biophysical properties (such as structural, functional, and spatial information, amino acid conservation, physicochemical variation, residue mobility, and thermodynamic stability) performed at Invitae indicates that this missense variant is not expected to disrupt ATP7B protein function. Experimental studies have shown that this missense change affects ATP7B function (PMID: 29761093). In summary, the available evidence is currently insufficient to determine the role of this variant in disease. Therefore, it has been classified as a Variant of Uncertain Significance.

Literature cited by the submitters: PubMed 29761093.